The following is an entry in ClinVar:

NM_015450.3(POT1):c.1726G>A (p.Asp576Asn)

Gene: POT1 (protection of telomeres 1; minus strand). Cytogenetic location: 7q31.33.
Variant type: single nucleotide variant.
Coding change: c.1726G>A on transcript NM_015450.3 (MANE Select); coding-DNA position 1726, G replaced by A.
Protein change: p.Asp576Asn; replaces aspartic acid 576 with asparagine.
Molecular consequence: missense variant. On other transcripts: non-coding transcript variant (3).
Genome position (GRCh38, 1-based): chr7:124,825,318, C>T on the plus strand (G>A on the coding strand, the complement: POT1 is on the minus strand). VCF-style: chr7-124825318-C-T. GRCh37 (hg19) VCF-style: chr7-124465372-C-T.
Other names: c.1333G>A, p.Asp445Asn (NM_001042594.2); short protein forms D445N, D576N.
Identifiers: ClinVar variation 846954 (VCV000846954.12), dbSNP rs1794603796, ClinGen allele CA369062409.

ClinVar aggregate classification (germline): Conflicting classifications of pathogenicity. Review status: criteria provided, conflicting classifications (1 of 4 stars). 3 submissions from 3 submitters: Uncertain significance (2); Likely benign (1). Last evaluated 2025-04-29.

Conditions:
Tumor predisposition syndrome 3 (TPDS3). Also called: Glioma susceptibility 9; LONG TELOMERE SYNDROME, POT1-RELATED; POT1 Tumor Predisposition; Melanoma, cutaneous malignant, susceptibility to, 10. Identifiers: Orphanet 618, MedGen C4014476, MONDO:0014368, OMIM 615848.
Hereditary cancer-predisposing syndrome. Also called: Tumor predisposition; Hereditary Cancer Syndrome; Hereditary neoplastic syndrome; Neoplastic Syndromes, Hereditary. Identifiers: Orphanet 140162, MedGen C0027672, MeSH D009386, MONDO:0015356.

Allele frequency attached by ClinVar (database versions not stated): gnomAD exomes below 0.00001.
gnomAD v4.1: 2 of 1,610,504 alleles (0.00012%); highest among the groups gnomAD compares: African/African-American, 0.0027%; no homozygotes.

Submissions (3):

Labcorp Genetics (formerly Invitae), Labcorp
Classification: Uncertain significance for Tumor predisposition syndrome 3. Last evaluated: 2025-04-29. Review status: criteria provided, single submitter. Criteria: Invitae Variant Classification Sherloc (09022015). Collection method: clinical testing. Allele origin: germline.
Comment: This sequence change replaces aspartic acid, which is acidic and polar, with asparagine, which is neutral and polar, at codon 576 of the POT1 protein (p.Asp576Asn). This variant is not present in population databases (gnomAD no frequency). This variant has not been reported in the literature in individuals affected with POT1-related conditions. ClinVar contains an entry for this variant (Variation ID: 846954). Invitae Evidence Modeling of protein sequence and biophysical properties (such as structural, functional, and spatial information, amino acid conservation, physicochemical variation, residue mobility, and thermodynamic stability) indicates that this missense variant is not expected to disrupt POT1 protein function with a negative predictive value of 80%. In summary, the available evidence is currently insufficient to determine the role of this variant in disease. Therefore, it has been classified as a Variant of Uncertain Significance.

Ambry Genetics
Classification: Likely benign for Hereditary cancer-predisposing syndrome. Last evaluated: 2024-05-13. Review status: criteria provided, single submitter. Criteria: Ambry Variant Classification Scheme 2023. Collection method: clinical testing. Allele origin: germline.

GeneDx
Classification: Uncertain significance. Last evaluated: 2023-07-13. Review status: criteria provided, single submitter. Criteria: GeneDx Variant Classification Process June 2021. Collection method: clinical testing. Allele origin: germline. Affected: yes.
Comment: Not observed at significant frequency in large population cohorts (gnomAD); In silico analysis supports that this missense variant does not alter protein structure/function; Has not been previously published as pathogenic or benign to our knowledge; This variant is associated with the following publications: (PMID: 28393830)